The following is an entry in ClinVar:

ClinVar aggregate classification (germline): Uncertain significance (1 of 4 stars; one submission).

gnomAD v4.1: 2 of 1,612,752 alleles (0.00012%); highest among the groups gnomAD compares: Non-Finnish European, 0.00017%; no homozygotes.

Submission:

Labcorp Genetics (formerly Invitae), Labcorp
Classification: Uncertain significance. Last evaluated: 2026-01-23. Review status: criteria provided, single submitter. Criteria: Invitae Variant Classification Sherloc (09022015). Collection method: clinical testing. Allele origin: germline.
Comment: This sequence change replaces arginine, which is basic and polar, with glycine, which is neutral and non-polar, at codon 931 of the RIMS1 protein (p.Arg931Gly). This variant is present in population databases (no rsID available, gnomAD 0.0009%). This variant has not been reported in the literature in individuals affected with RIMS1-related conditions. An algorithm developed to predict the effect of missense changes on protein structure and function (PolyPhen-2) suggests that this variant is likely to be disruptive. In summary, the available evidence is currently insufficient to determine the role of this variant in disease. Therefore, it has been classified as a Variant of Uncertain Significance.

NM_014989.7(RIMS1):c.2791A>G (p.Arg931Gly)

Gene: RIMS1 (regulating synaptic membrane exocytosis 1; plus strand). Cytogenetic location: 6q13.
Variant type: single nucleotide variant.
Coding change: c.2791A>G on transcript NM_014989.7 (MANE Select); coding-DNA position 2791, A replaced by G.
Protein change: p.Arg931Gly; replaces arginine 931 with glycine.
Molecular consequence: missense variant.
Genome position (GRCh38, 1-based): chr6:72,258,145, A>G. VCF-style: chr6-72258145-A-G. GRCh37 (hg19) VCF-style: chr6-72967848-A-G.
Other names: c.1210A>G, p.Arg404Gly (NM_001168407.2, NM_001350415.2, NM_001350418.2 and 19 more transcripts); c.1213A>G, p.Arg405Gly (NM_001168408.2, NM_001350414.2, NM_001350416.2 and 15 more transcripts); c.970A>G, p.Arg324Gly (NM_001168409.2, NM_001350464.2, NM_001350465.2 and 3 more transcripts); c.1168A>G, p.Arg390Gly (NM_001168410.2, NM_001350470.2, NM_001350473.2 and 1 more transcripts); c.1141A>G, p.Arg381Gly (NM_001350421.2, NM_001350430.2, NM_001350437.2 and 2 more transcripts); c.1144A>G, p.Arg382Gly (NM_001350424.2, NM_001350428.2, NM_001350459.2 and 1 more transcripts); c.967A>G, p.Arg323Gly (NM_001350461.2, NM_001350463.2, NM_001350468.2); c.1165A>G, p.Arg389Gly (NM_001350472.2); short protein forms R404G, R381G, R389G, R931G, R324G, R382G, R390G, R323G.
Identifiers: ClinVar variation 4735521 (VCV004735521.1).